The following is an entry in ClinVar:

NM_172245.4(CSF2RA):c.221del (p.Leu74fs)

Gene: CSF2RA (colony stimulating factor 2 receptor subunit alpha; plus strand). Cytogenetic location: Xp22.33.
Variant type: Deletion.
Coding change: c.221del on transcript NM_172245.4 (MANE Select); coding-DNA position 221, one base deleted (T; older notation c.221delT).
Protein change: p.Leu74fs; shifts the reading frame from leucine 74.
Molecular consequence: frameshift variant. On other transcripts: 5 prime UTR variant (1), non-coding transcript variant (1).
Genome position (GRCh38, 1-based): chrX:1,288,520, T deleted. VCF-style (leftmost placement, unchanged base first): chrX-1288519-CT-C. GRCh37 (hg19) VCF-style: chrX-1407412-CT-C.
Other names: c.221del, p.Leu74fs (NM_001161529.2, NM_001161530.2, NM_001161531.2 and 20 more transcripts); c.-179del (NM_001161532.2); short protein forms L74fs.
Identifiers: ClinVar variation 3689735 (VCV003689735.2).

ClinVar aggregate classification (germline): Pathogenic (1 of 4 stars; one submission).

Conditions:
Surfactant metabolism dysfunction, pulmonary, 4 (SMDP4). Also called: PAP DUE TO CSF2RA DEFICIENCY; PULMONARY ALVEOLAR PROTEINOSIS, CONGENITAL, 4; CSF2RA DEFICIENCY. Identifiers: Orphanet 264675, MedGen C2677877, MONDO:0010424, OMIM 300770.

Submission:

Labcorp Genetics (formerly Invitae), Labcorp
Classification: Pathogenic for Surfactant metabolism dysfunction, pulmonary, 4. Last evaluated: 2024-11-22. Review status: criteria provided, single submitter. Criteria: Invitae Variant Classification Sherloc (09022015). Collection method: clinical testing. Allele origin: germline.
Comment: This sequence change creates a premature translational stop signal (p.Leu74Profs*25) in the CSF2RA gene. It is expected to result in an absent or disrupted protein product. Loss-of-function variants in CSF2RA are known to be pathogenic (PMID: 20622029, 25425184). This variant is not present in population databases (gnomAD no frequency). This variant has not been reported in the literature in individuals affected with CSF2RA-related conditions. For these reasons, this variant has been classified as Pathogenic.

Literature cited by the submitters: PubMed 20622029; PubMed 25425184.